The following is an entry in ClinVar:

NM_000246.4(CIITA):c.2375A>T (p.Tyr792Phe)

Gene: CIITA (class II major histocompatibility complex transactivator; plus strand). Cytogenetic location: 16p13.13.
Variant type: single nucleotide variant.
Coding change: c.2375A>T on transcript NM_000246.4 (MANE Select); coding-DNA position 2375, A replaced by T.
Protein change: p.Tyr792Phe; replaces tyrosine 792 with phenylalanine.
Molecular consequence: missense variant. On other transcripts: intron variant (1).
Genome position (GRCh38, 1-based): chr16:10,907,867, A>T. VCF-style: chr16-10907867-A-T. GRCh37 (hg19) VCF-style: chr16-11001724-A-T.
Other names: c.2378A>T, p.Tyr793Phe (NM_001286402.1, NM_001379332.1); c.2231A>T, p.Tyr744Phe (NM_001379330.1); c.2228A>T, p.Tyr743Phe (NM_001379331.1); c.2375A>T, p.Tyr792Phe (NM_001379333.1); c.2306A>T, p.Tyr769Phe (NM_001379334.1); c.860-1116A>T (NM_001286403.2); short protein forms Y743F, Y744F, Y769F, Y792F, Y793F.
Identifiers: ClinVar variation 992562 (VCV000992562.3), dbSNP rs1234424650, ClinGen allele CA394733160.

ClinVar aggregate classification (germline): Uncertain significance (1 of 4 stars; one submission).

Conditions:
Rheumatoid arthritis (RA). Also called: RHEUMATOID ARTHRITIS, SUSCEPTIBILITY TO. Identifiers: MedGen C0003873, MONDO:0008383, OMIM 180300, HP:0001370.
MHC class II deficiency 1 (MHC2D1). Also called: Bare lymphocyte syndrome type 2, complementation group A; SCID, HLA CLASS II-NEGATIVE; BARE LYMPHOCYTE SYNDROME, TYPE II, COMPLEMENTATION GROUP A. Identifiers: MedGen C1859534, MONDO:0971005, OMIM 209920.

Allele frequency attached by ClinVar (database versions not stated): gnomAD 0.00001.
gnomAD v4.1: 2 of 1,608,708 alleles (0.00012%); highest among the groups gnomAD compares: African/African-American, 0.0027%; no homozygotes.

Submission:

Center for Genomics, Ann and Robert H. Lurie Children's Hospital of Chicago
Classification: Uncertain significance for Rheumatoid arthritis; MHC class II deficiency 1. Review status: criteria provided, single submitter. Criteria: ACMG Guidelines, 2015. Collection method: clinical testing. Allele origin: germline.
Comment: CIITA NM_000246.3 exon 11 p.Tyr792Phe (c.2375A>T): This variant has not been reported in the literature but is present in 0.01% (1/8704) of African alleles in the Genome Aggregation Database. Evolutionary conservation suggests that this variant may impact the protein; computational predictive tools for this variant are unclear. Of note, although this variant occurs within the exon, computational prediction tools suggest that this variant may affect splicing. However, further studies are needed to understand its impact. In summary, data on this variant is insufficient for disease classification. Therefore, the clinical significance of this variant is uncertain.